The following is an entry in ClinVar:

ClinVar aggregate classification (germline): Conflicting classifications of pathogenicity. Review status: criteria provided, conflicting classifications (1 of 4 stars). 2 submissions from 2 submitters: Likely pathogenic (1); Uncertain significance (1). Last evaluated 2025-09-25.

Conditions:
Ullrich congenital muscular dystrophy 2 (UCMD2). Identifiers: Orphanet 75840, MedGen C4225314, MONDO:0014654, OMIM 616470.
Bethlem myopathy 2 (BTHLM2). Identifiers: Orphanet 536516, Orphanet 610, MedGen C4225313, MONDO:0034022, OMIM 616471.

Submissions (2):

Labcorp Genetics (formerly Invitae), Labcorp
Classification: Uncertain significance for Bethlem myopathy 2; Ullrich congenital muscular dystrophy 2. Last evaluated: 2025-09-25. Review status: criteria provided, single submitter. Criteria: Invitae Variant Classification Sherloc (09022015). Collection method: clinical testing. Allele origin: germline.
Comment: This sequence change creates a premature translational stop signal (p.Gly854Valfs*8) in the COL12A1 gene. Multiple COL12A1 isoforms have been reported, and the functional impact of this variant is uncertain (PMID: 8601036). The frequency data for this variant in the population databases is considered unreliable, as metrics indicate poor data quality at this position in the gnomAD database. This variant has not been reported in the literature in individuals affected with COL12A1-related conditions. ClinVar contains an entry for this variant (Variation ID: 1201680). In summary, the available evidence is currently insufficient to determine the role of this variant in disease. Therefore, it has been classified as a Variant of Uncertain Significance.

GeneDx
Classification: Likely pathogenic. Last evaluated: 2024-06-25. Review status: criteria provided, single submitter. Criteria: GeneDx Variant Classification Process June 2021. Collection method: clinical testing. Allele origin: germline. Affected: yes.
Comment: Frameshift variant predicted to result in protein truncation or nonsense mediated decay in a gene for which loss-of-function is a known mechanism of disease; Not observed at significant frequency in large population cohorts (gnomAD); Has not been previously published as pathogenic or benign to our knowledge

Literature cited by the submitters: PubMed 8601036 (cited by Labcorp Genetics (formerly Invitae), Labcorp).

NM_004370.6(COL12A1):c.2561del (p.Gly854fs)

Gene: COL12A1 (collagen type XII alpha 1 chain; minus strand). Cytogenetic location: 6q13.
Variant type: Deletion.
Coding change: c.2561del on transcript NM_004370.6 (MANE Select); coding-DNA position 2561, one base deleted (G; older notation c.2561delG).
Protein change: p.Gly854fs; shifts the reading frame from glycine 854.
Molecular consequence: frameshift variant. On other transcripts: intron variant (1).
Genome position (GRCh38, 1-based): chr6:75,175,187, C deleted on the plus strand (G on the coding strand, the reverse complement: COL12A1 is on the minus strand); the first of 5 consecutive C bases (chr6:75,175,187-75,175,191); deleting any one gives the same sequence. VCF-style (leftmost placement, unchanged base first): chr6-75175186-AC-A. GRCh37 (hg19) VCF-style: chr6-75884902-AC-A.
Other names: c.74-22705del (NM_080645.3); c.2561delG (NM_004370.5); c.2561del (NM_004370.5); short protein forms G854fs.
Identifiers: ClinVar variation 1201680 (VCV001201680.9), dbSNP rs1582179372, ClinGen allele CA451111708.